The following is an entry in ClinVar:

ClinVar aggregate classification (germline): Likely benign. Review status: criteria provided, multiple submitters, no conflicts (2 of 4 stars). 3 submissions from 3 submitters: Likely benign (2). 1 of the submissions does not count toward it. Last evaluated 2024-11-11.

Conditions:
RIMS1-related disorder. Also called: RIMS1-related condition.

Allele frequency attached by ClinVar (database versions not stated): TOPMed 0.00001; gnomAD 0.00003.
gnomAD v4.1: 9 of 1,596,462 alleles (0.00056%); highest among the groups gnomAD compares: Admixed American, 0.007%; no homozygotes.

Submissions (3):

Blueprint Genetics
Classification: Likely benign. Last evaluated: 2024-11-11. Review status: criteria provided, single submitter. Criteria: ACMG Guidelines, 2015. Collection method: clinical testing. Allele origin: germline.

Labcorp Genetics (formerly Invitae), Labcorp
Classification: Likely benign. Last evaluated: 2023-07-03. Review status: criteria provided, single submitter. Criteria: Invitae Variant Classification Sherloc (09022015). Collection method: clinical testing. Allele origin: germline.

PreventionGenetics, part of Exact Sciences
Classification: Likely benign for RIMS1-related condition. Last evaluated: 2019-11-19. Review status: no assertion criteria provided. Collection method: clinical testing. Allele origin: germline. Not counted in ClinVar's aggregate classification.
Comment: This variant is classified as likely benign based on ACMG/AMP sequence variant interpretation guidelines (Richards et al. 2015 PMID: 25741868, with internal and published modifications).

NM_014989.7(RIMS1):c.4317T>C (p.Val1439=)

Gene: RIMS1 (regulating synaptic membrane exocytosis 1; plus strand). Cytogenetic location: 6q13.
Variant type: single nucleotide variant.
Coding change: c.4317T>C on transcript NM_014989.7 (MANE Select); coding-DNA position 4317, T replaced by C.
Protein change: p.Val1439=; no amino-acid change (valine 1439 retained).
Molecular consequence: synonymous variant. On other transcripts: intron variant (24).
Genome position (GRCh38, 1-based): chr6:72,333,786, T>C. VCF-style: chr6-72333786-T-C. GRCh37 (hg19) VCF-style: chr6-73043489-T-C.
Other names: c.2277T>C, p.Val759= (NM_001168407.2); c.2238T>C, p.Val746= (NM_001350414.2); c.2334T>C, p.Val778= (NM_001350415.2); c.2283T>C, p.Val761= (NM_001350416.2); c.2256T>C, p.Val752= (NM_001350418.2); c.2391T>C, p.Val797= (NM_001350420.2); c.2136T>C, p.Val712= (NM_001350421.2); c.2025T>C, p.Val675= (NM_001350423.2); and 53 more.
Identifiers: ClinVar variation 725750 (VCV000725750.11), dbSNP rs372862808, ClinGen allele CA140893914.